The following is an entry in ClinVar:

ClinVar aggregate classification (germline): Uncertain significance (1 of 4 stars; one submission).

Conditions:
MEGF10-related myopathy (CMYO10A). Also called: Congenital myopathy 10A, severe variant. Identifiers: Orphanet 439212, MedGen C3280679, MONDO:0013731, OMIM 614399.

Allele frequency attached by ClinVar (database versions not stated): gnomAD exomes below 0.00001; ExAC 0.00001; gnomAD 0.00001; TOPMed 0.00001.
gnomAD v4.1: 18 of 1,609,662 alleles (0.0011%); highest among the groups gnomAD compares: African/African-American, 0.0027%; no homozygotes.

Submission:

Labcorp Genetics (formerly Invitae), Labcorp
Classification: Uncertain significance for MEGF10-related myopathy. Last evaluated: 2021-04-21. Review status: criteria provided, single submitter. Criteria: Invitae Variant Classification Sherloc (09022015). Collection method: clinical testing. Allele origin: germline.
Comment: Algorithms developed to predict the effect of missense changes on protein structure and function are either unavailable or do not agree on the potential impact of this missense change (SIFT: "Deleterious"; PolyPhen-2: "Benign"; Align-GVGD: "Class C35"). This sequence change replaces arginine with glutamine at codon 607 of the MEGF10 protein (p.Arg607Gln). The arginine residue is highly conserved and there is a small physicochemical difference between arginine and glutamine. In summary, the available evidence is currently insufficient to determine the role of this variant in disease. Therefore, it has been classified as a Variant of Uncertain Significance. This variant has not been reported in the literature in individuals with MEGF10-related conditions. This variant is present in population databases (rs759730720, ExAC 0.002%).

NM_001256545.2(MEGF10):c.1820G>A (p.Arg607Gln)

Gene: MEGF10 (multiple EGF like domains 10; plus strand). Cytogenetic location: 5q23.2.
Variant type: single nucleotide variant.
Coding change: c.1820G>A on transcript NM_001256545.2 (MANE Select); coding-DNA position 1820, G replaced by A.
Protein change: p.Arg607Gln; replaces arginine 607 with glutamine.
Molecular consequence: missense variant.
Genome position (GRCh38, 1-based): chr5:127,433,489, G>A. VCF-style: chr5-127433489-G-A. GRCh37 (hg19) VCF-style: chr5-126769181-G-A.
Other names: c.1820G>A, p.Arg607Gln (NM_032446.3); short protein forms R607Q.
Identifiers: ClinVar variation 1391796 (VCV001391796.8), dbSNP rs759730720, ClinGen allele CA3391735.